The following is an entry in ClinVar:

NM_024411.5(PDYN):c.630C>G (p.Phe210Leu)

Genes: PDYN (prodynorphin; minus strand), PDYN-AS1 (PDYN antisense RNA 1; plus strand). Cytogenetic location: 20p13.
Variant type: single nucleotide variant.
Coding change: c.630C>G on transcript NM_024411.5 (MANE Select); coding-DNA position 630, C replaced by G.
Protein change: p.Phe210Leu; replaces phenylalanine 210 with leucine.
Molecular consequence: missense variant.
Genome position (GRCh38, 1-based): chr20:1,980,458, G>C on the plus strand (C>G on the coding strand, the complement: PDYN is on the minus strand). VCF-style: chr20-1980458-G-C. GRCh37 (hg19) VCF-style: chr20-1961104-G-C.
Other names: c.630C>G, p.Phe210Leu (NM_001190892.1, NM_001190898.3, NM_001190899.2 and 1 more transcripts); short protein forms F210L.
Identifiers: ClinVar variation 1806152 (VCV001806152.1), dbSNP rs761983515, ClinGen allele CA9730249.
Genomic context (GRCh38, chr20:1,980,458, plus strand): 5'-GAGAAAACCGCCATAGCGCTTCTGGTTGTCCCACTTGAGCTTGGGACGAATGCGCCGCAA[G>C]AAGCCCCCATAGCGTTTGTACAGGTCCTCATGGCCCATGCTATCCCCGTCCCCCTCCCCA-3'
Protein context (NP_077722.1, residues 200-220): HEDLYKRYGG[Phe210Leu]LRRIRPKLKW

ClinVar aggregate classification (germline): Uncertain significance (1 of 4 stars; one submission).

Conditions:
Spinocerebellar ataxia type 23 (SCA23). Identifiers: Orphanet 101108, MedGen C1853250, MONDO:0012449, OMIM 610245.

Allele frequency attached by ClinVar (database versions not stated): gnomAD exomes below 0.00001; ExAC 0.00001.
gnomAD v4.1: 1 of 1,614,148 alleles (0.000062%); highest among the groups gnomAD compares: Non-Finnish European, 0.000085%; no homozygotes.

Submission:

Victorian Clinical Genetics Services, Murdoch Childrens Research Institute
Classification: Uncertain significance for Spinocerebellar ataxia type 23. Last evaluated: 2021-05-06. Review status: criteria provided, single submitter. Criteria: ACMG Guidelines, 2015. Collection method: clinical testing. Allele origin: germline. Inheritance: Autosomal dominant inheritance. Affected: yes.
Comment: Based on the classification scheme VCGS_Germline_v1.3.4, this variant is classified as VUS-3A. Following criteria are met: 0105 - The mechanism of disease for this gene is not clearly established. (I) 0107 - This gene is associated with autosomal dominant disease. (I) 0200 - Variant is predicted to result in a missense amino acid change from phenylalanine to leucine. (I) 0251 - This variant is heterozygous. (I) 0302 - Variant is present in gnomAD (v2) <0.001 for a dominant condition (1 heterozygote, 0 homozygotes). (SP) 0501 - Missense variant consistently predicted to be damaging by multiple in silico tools or highly conserved with a major amino acid change. (SP) 0602 - Variant is located in a hotspot region or cluster of pathogenic variants, within the annotated dynorphin A functional domain (PMID: 21035104). (SP) 0705 - No comparable missense variants have previous evidence for pathogenicity. (I) 0807 - This variant has no previous evidence of pathogenicity. (I) 0905 - No published segregation evidence has been identified for this variant. (I) 1007 - No published functional evidence has been identified for this variant. (I) 1208 - Inheritance information for this variant is not currently available in this individual. (I) Legend: (SP) - Supporting pathogenic, (I) - Information, (SB) - Supporting benign

Literature cited by the submitters: PubMed 21035104.